The following is an entry in ClinVar:

NM_001252024.2(TRPM1):c.1077G>T (p.Lys359Asn)

Gene: TRPM1 (transient receptor potential cation channel subfamily M member 1; minus strand). Cytogenetic location: 15q13.3.
Variant type: single nucleotide variant.
Coding change: c.1077G>T on transcript NM_001252024.2 (MANE Select); coding-DNA position 1077, G replaced by T.
Protein change: p.Lys359Asn; replaces lysine 359 with asparagine.
Molecular consequence: missense variant.
Genome position (GRCh38, 1-based): chr15:31,062,591, C>A on the plus strand (G>T on the coding strand, the complement: TRPM1 is on the minus strand). VCF-style: chr15-31062591-C-A. GRCh37 (hg19) VCF-style: chr15-31354794-C-A.
Other names: c.1128G>T, p.Lys376Asn (NM_001252020.2); c.1011G>T, p.Lys337Asn (NM_002420.6); short protein forms K337N, K359N, K376N.
Identifiers: ClinVar variation 1017522 (VCV001017522.8), dbSNP rs370817973, ClinGen allele CA7452712.
Genomic context (GRCh38, chr15:31,062,591, plus strand): 5'-ATAATTCTCTCCACAGAGCTTGTTTGGAAATAAATTCAAGACACTTACGAGTTCTTTCTT[C>A]TTCATGCACTCCATTATAATTGCAAACAGCTGATGTGATTGTGCCTTATTATAATTAAAT-3'
Protein context (NP_001238953.1, residues 349-369): QLFAIIMECM[Lys359Asn]KKELVTVFRM

ClinVar aggregate classification (germline): Uncertain significance (1 of 4 stars; one submission).

Allele frequency attached by ClinVar (database versions not stated): gnomAD exomes below 0.00001; ExAC 0.00001; gnomAD 0.00002 and 0.00003; TOPMed 0.00002; ESP Exome Variant Server 0.00008.
gnomAD v4.1: 5 of 1,614,024 alleles (0.00031%); highest among the groups gnomAD compares: Middle Eastern, 0.016%; no homozygotes.

Submission:

Labcorp Genetics (formerly Invitae), Labcorp
Classification: Uncertain significance. Last evaluated: 2023-10-13. Review status: criteria provided, single submitter. Criteria: Invitae Variant Classification Sherloc (09022015). Collection method: clinical testing. Allele origin: germline.
Comment: This sequence change replaces lysine, which is basic and polar, with asparagine, which is neutral and polar, at codon 337 of the TRPM1 protein (p.Lys337Asn). This variant is present in population databases (rs370817973, gnomAD 0.007%). This variant has not been reported in the literature in individuals affected with TRPM1-related conditions. ClinVar contains an entry for this variant (Variation ID: 1017522). Advanced modeling of protein sequence and biophysical properties (such as structural, functional, and spatial information, amino acid conservation, physicochemical variation, residue mobility, and thermodynamic stability) performed at Invitae indicates that this missense variant is not expected to disrupt TRPM1 protein function. Algorithms developed to predict the effect of sequence changes on RNA splicing suggest that this variant may disrupt the consensus splice site. In summary, the available evidence is currently insufficient to determine the role of this variant in disease. Therefore, it has been classified as a Variant of Uncertain Significance.